The following is an entry in ClinVar:

NM_014780.5(CUL7):c.338_340dup (p.Asp113dup)

Gene: CUL7 (cullin 7; minus strand). Cytogenetic location: 6p21.1.
Variant type: Duplication.
Coding change: c.338_340dup on transcript NM_014780.5 (MANE Select); coding-DNA positions 338 to 340, 3 bases duplicated (ACG; older notation c.338_340dupACG).
Protein change: p.Asp113dup; duplicates aspartic acid 113.
Molecular consequence: inframe insertion.
Genome position (GRCh38, 1-based): chr6:43,052,449-43,052,451, CGT duplicated on the plus strand (ACG on the coding strand, the reverse complement: CUL7 is on the minus strand); duplicating any 3 consecutive bases within chr6:43,052,449-43,052,453 gives the same sequence; the c. name uses the placement nearest the transcript's 3' end. VCF-style (leftmost placement, unchanged base first): chr6-43052448-A-ACGT. GRCh37 (hg19) VCF-style: chr6-43020186-A-ACGT.
Other names: c.338_340dup, p.Asp113dup (NM_001168370.2, NM_001374872.1, NM_001374873.1 and 1 more transcripts).
Identifiers: ClinVar variation 1398222 (VCV001398222.6), dbSNP rs764458973, ClinGen allele CA3814408.

ClinVar aggregate classification (germline): Uncertain significance (1 of 4 stars; one submission).

Submission:

Labcorp Genetics (formerly Invitae), Labcorp
Classification: Uncertain significance. Last evaluated: 2021-12-10. Review status: criteria provided, single submitter. Criteria: Invitae Variant Classification Sherloc (09022015). Collection method: clinical testing. Allele origin: germline.
Comment: Experimental studies and prediction algorithms are not available or were not evaluated, and the functional significance of this variant is currently unknown. This variant, c.338_340dup, results in the insertion of 1 amino acid(s) of the CUL7 protein (p.Asp113dup), but otherwise preserves the integrity of the reading frame. This variant is present in population databases (rs764458973, gnomAD 0.01%). This variant has not been reported in the literature in individuals affected with CUL7-related conditions. In summary, the available evidence is currently insufficient to determine the role of this variant in disease. Therefore, it has been classified as a Variant of Uncertain Significance.